The following is an entry in ClinVar:

NM_006060.6(IKZF1):c.1337A>G (p.Gln446Arg)

Gene: IKZF1 (IKAROS family zinc finger 1; plus strand). Cytogenetic location: 7p12.2.
Variant type: single nucleotide variant.
Coding change: c.1337A>G on transcript NM_006060.6 (MANE Select); coding-DNA position 1337, A replaced by G.
Protein change: p.Gln446Arg; replaces glutamine 446 with arginine.
Molecular consequence: missense variant.
Genome position (GRCh38, 1-based): chr7:50,400,404, A>G. VCF-style: chr7-50400404-A-G. GRCh37 (hg19) VCF-style: chr7-50468102-A-G.
Other names: c.1211A>G, p.Gln404Arg (NM_001220765.3, NM_001291837.2); c.1046A>G, p.Gln349Arg (NM_001220767.2); c.1076A>G, p.Gln359Arg (NM_001220768.2, NM_001291838.2); c.920A>G, p.Gln307Arg (NM_001220770.2); c.908A>G, p.Gln303Arg (NM_001220771.2, NM_001291841.1); c.950A>G, p.Gln317Arg (NM_001291839.2); c.647A>G, p.Gln216Arg (NM_001291840.1); c.878A>G, p.Gln293Arg (NM_001291842.1); and 3 more; short protein forms Q216R, Q307R, Q359R, Q251R, Q303R, Q349R, Q466R, Q261R.
Identifiers: ClinVar variation 4716802 (VCV004716802.1).

ClinVar aggregate classification (germline): Uncertain significance (1 of 4 stars; one submission).

Submission:

Labcorp Genetics (formerly Invitae), Labcorp
Classification: Uncertain significance. Last evaluated: 2025-04-07. Review status: criteria provided, single submitter. Criteria: Invitae Variant Classification Sherloc (09022015). Collection method: clinical testing. Allele origin: germline.
Comment: This sequence change replaces glutamine, which is neutral and polar, with arginine, which is basic and polar, at codon 446 of the IKZF1 protein (p.Gln446Arg). This variant is not present in population databases (gnomAD no frequency). This variant has not been reported in the literature in individuals affected with IKZF1-related conditions. An algorithm developed to predict the effect of missense changes on protein structure and function (PolyPhen-2) suggests that this variant is likely to be tolerated. In summary, the available evidence is currently insufficient to determine the role of this variant in disease. Therefore, it has been classified as a Variant of Uncertain Significance.